The following is an entry in ClinVar:

NM_000135.4(FANCA):c.553C>A (p.Leu185Ile)

Gene: FANCA (FA complementation group A; minus strand). Cytogenetic location: 16q24.3.
Variant type: single nucleotide variant.
Coding change: c.553C>A on transcript NM_000135.4 (MANE Select); coding-DNA position 553, C replaced by A.
Protein change: p.Leu185Ile; replaces leucine 185 with isoleucine.
Molecular consequence: missense variant.
Genome position (GRCh38, 1-based): chr16:89,808,337, G>T on the plus strand (C>A on the coding strand, the complement: FANCA is on the minus strand). VCF-style: chr16-89808337-G-T. GRCh37 (hg19) VCF-style: chr16-89874745-G-T.
Other names: c.553C>A (LRG_495t1, NM_000135.3); c.553C>A, p.Leu185Ile (NM_001018112.3, NM_001286167.3); c.457C>A, p.Leu153Ile (NM_001351830.2); short protein forms L185I, L153I.
Identifiers: ClinVar variation 134288 (VCV000134288.19), dbSNP rs587778323, ClinGen allele CA159364.
Genomic context (GRCh38, chr16:89,808,337, plus strand): 5'-CATCATTAGCACGCTACCTTTCCAGCAGCTCTTGCAGGCTCACAATGCCTTGTACGTGAA[G>T]ATGCCACACCGCTTCAAGCAACAAAGAACTCTGAAAAACAAAACAAAACAAACAAAAACA-3'
Protein context (NP_000126.2, residues 175-195): SSLLLEAVWH[Leu185Ile]HVQGIVSLQE

ClinVar aggregate classification (germline): Conflicting classifications of pathogenicity. Review status: criteria provided, conflicting classifications (1 of 4 stars). 9 submissions from 9 submitters: Uncertain significance (6); Likely benign (1). 2 of the submissions do not count toward it. Last evaluated 2026-01-20.

Conditions:
FANCA-related disorder. Also called: FANCA-related condition.
Inborn genetic diseases. Identifiers: MedGen C0950123, MeSH D030342.
Fanconi anemia (FA). Also called: Fanconi's anemia. Identifiers: Orphanet 84, MedGen C0015625, MeSH D005199, MONDO:0019391.
Fanconi anemia complementation group A (FANCA). Also called: FANCA-Related Fanconi Anemia; Fanconi anemia, group A. Identifiers: Orphanet 84, MedGen C3469521, MONDO:0009215, OMIM 227650.

Allele frequency attached by ClinVar (database versions not stated): gnomAD exomes below 0.00001; ExAC 0.00001; gnomAD 0.00002 and 0.00003; TOPMed 0.00003.
gnomAD v4.1: 34 of 1,613,988 alleles (0.0021%); highest among the groups gnomAD compares: Middle Eastern, 0.033%; 1 homozygote.

Submissions (9):

Labcorp Genetics (formerly Invitae), Labcorp
Classification: Likely benign for Fanconi anemia. Last evaluated: 2026-01-20. Review status: criteria provided, single submitter. Criteria: Invitae Variant Classification Sherloc (09022015). Collection method: clinical testing. Allele origin: germline.

PreventionGenetics, part of Exact Sciences
Classification: Uncertain significance for FANCA-related condition. Last evaluated: 2025-04-24. Review status: criteria provided, single submitter. Criteria: ACMG Guidelines, 2015. Collection method: clinical testing. Allele origin: germline.
Comment: The FANCA c.553C>A variant is predicted to result in the amino acid substitution p.Leu185Ile. To our knowledge, this variant has not been reported in the literature or in a large population database (gnomAD), indicating this variant is rare. At this time, the clinical significance of this variant is uncertain due to the absence of conclusive functional and genetic evidence.

Ambry Genetics
Classification: Uncertain significance for Inborn genetic diseases. Last evaluated: 2024-12-08. Review status: criteria provided, single submitter. Criteria: Ambry Variant Classification Scheme 2023. Collection method: clinical testing. Allele origin: germline.
Comment: The p.L185I variant (also known as c.553C>A), located in coding exon 6 of the FANCA gene, results from a C to A substitution at nucleotide position 553. The leucine at codon 185 is replaced by isoleucine, an amino acid with highly similar properties. This amino acid position is conserved. In addition, this alteration is predicted to be tolerated by in silico analysis. Based on the available evidence, the clinical significance of this variant remains unclear.

Blueprint Genetics
Classification: Uncertain significance. Last evaluated: 2024-09-16. Review status: criteria provided, single submitter. Criteria: ACMG Guidelines, 2015. Collection method: clinical testing. Allele origin: germline.

Fulgent Genetics
Classification: Uncertain significance for Fanconi anemia complementation group A. Last evaluated: 2024-02-20. Review status: criteria provided, single submitter. Criteria: ACMG Guidelines, 2015. Collection method: clinical testing. Allele origin: germline.

Quest Diagnostics Nichols Institute San Juan Capistrano
Classification: Uncertain significance. Last evaluated: 2023-08-18. Review status: criteria provided, single submitter. Criteria: Quest Diagnostics criteria. Collection method: clinical testing. Allele origin: unknown.
Comment: In the published literature, this variant has been reported in apparently healthy individuals (PMID: 24728327 (2014)). The frequency of this variant in the general population, 0.000004 (1/251444 chromosomes (Genome Aggregation Database)), is uninformative in the assessment of its pathogenicity. Analysis of this variant using bioinformatics tools for the prediction of the effect of amino acid changes on protein structure and function yielded predictions that this variant is benign. Based on the available information, we are unable to determine the clinical significance of this variant.

Genetic Services Laboratory, University of Chicago
Classification: Uncertain significance. Last evaluated: 2019-09-27. Review status: criteria provided, single submitter. Criteria: ACMG Guidelines, 2015. Collection method: clinical testing. Allele origin: germline. Affected: no.

Counsyl
Classification: Uncertain significance for Fanconi anemia complementation group A. Last evaluated: 2018-02-13. Review status: no assertion criteria provided. Collection method: clinical testing. Allele origin: unknown. Not counted in ClinVar's aggregate classification.

ITMI
No classification provided. Condition: AllHighlyPenetrant. Last evaluated: 2013-09-19. Review status: no classification provided. Collection method: reference population. Allele origin: germline. Not counted in ClinVar's aggregate classification.
Comment: Please see associated publication for description of ethnicities

Literature cited by the submitters: PubMed 24728327 (cited by Quest Diagnostics Nichols Institute San Juan Capistrano and ITMI).